The following is an entry in ClinVar:

ClinVar aggregate classification (germline): Pathogenic (1 of 4 stars; one submission).

Conditions:
Ehlers-Danlos syndrome, classic type, 1 (EDSCL1). Also called: EHLERS-DANLOS SYNDROME, GRAVIS TYPE; EHLERS-DANLOS SYNDROME, SEVERE CLASSIC TYPE; Ehlers-Danlos syndrome, type 1; Ehlers-Danlos Syndrome, Classic Type, COL5A1-Related; EDS I. Identifiers: MedGen C0268335, MONDO:0019567, OMIM 130000.

Submission:

Labcorp Genetics (formerly Invitae), Labcorp
Classification: Pathogenic for Ehlers-Danlos syndrome, classic type, 1. Last evaluated: 2024-06-19. Review status: criteria provided, single submitter. Criteria: Invitae Variant Classification Sherloc (09022015). Collection method: clinical testing. Allele origin: germline.
Comment: This sequence change creates a premature translational stop signal (p.Arg231Glyfs*56) in the COL5A1 gene. It is expected to result in an absent or disrupted protein product. Loss-of-function variants in COL5A1 are known to be pathogenic (PMID: 23587214). This variant is not present in population databases (gnomAD no frequency). This variant has not been reported in the literature in individuals affected with COL5A1-related conditions. For these reasons, this variant has been classified as Pathogenic.

Literature cited by the submitters: PubMed 23587214.

NM_000093.5(COL5A1):c.691del (p.Arg231fs)

Gene: COL5A1 (collagen type V alpha 1 chain; plus strand). Cytogenetic location: 9q34.3.
Variant type: Deletion.
Coding change: c.691del on transcript NM_000093.5 (MANE Select); coding-DNA position 691, one base deleted (C; older notation c.691delC).
Protein change: p.Arg231fs; shifts the reading frame from arginine 231.
Molecular consequence: frameshift variant.
Genome position (GRCh38, 1-based): chr9:134,727,302, C deleted; the last of 2 consecutive C bases (chr9:134,727,301-134,727,302); deleting either gives the same sequence. VCF-style (leftmost placement, unchanged base first): chr9-134727300-AC-A. GRCh37 (hg19) VCF-style: chr9-137619146-AC-A.
Other names: c.691del, p.Arg231fs (NM_001278074.1); short protein forms R231fs.
Identifiers: ClinVar variation 3656997 (VCV003656997.2).
Genomic context (GRCh38, chr9:134,727,300, plus strand): 5'-TTTCATGAGCGTCTCTTCTTTTCCAGGGTGACATCCAGCAGCTGCTCTTTGTCTCGGACC[AC>A]CGGGCAGCTTATGATTACTGTGAGCACTACAGCCCTGACTGTGACACCGCAGTACCTGAC-3'